The following is an entry in ClinVar:

ClinVar aggregate classification (germline): Uncertain significance. Review status: criteria provided, multiple submitters, no conflicts (2 of 4 stars). 2 submissions from 2 submitters: Uncertain significance (2). Last evaluated 2025-05-01.

Conditions:
Inborn genetic diseases. Identifiers: MedGen C0950123, MeSH D030342.

gnomAD v4.1: 1 of 1,614,226 alleles (0.000062%); highest among the groups gnomAD compares: Admixed American, 0.0017%; no homozygotes.

Submissions (2):

Ambry Genetics
Classification: Uncertain significance for Inborn genetic diseases. Last evaluated: 2025-05-01. Review status: criteria provided, single submitter. Criteria: Ambry Variant Classification Scheme 2023. Collection method: clinical testing. Allele origin: germline.

GeneDx
Classification: Uncertain significance. Last evaluated: 2022-03-01. Review status: criteria provided, single submitter. Criteria: GeneDx Variant Classification Process June 2021. Collection method: clinical testing. Allele origin: germline. Affected: yes.
Comment: Not observed at significant frequency in large population cohorts (gnomAD); In silico analysis supports that this missense variant has a deleterious effect on protein structure/function; Missense variant in a gene in which most reported pathogenic variants are truncating/loss-of-function; Has not been previously published as pathogenic or benign to our knowledge

NM_006031.6(PCNT):c.9041C>G (p.Ser3014Cys)

Gene: PCNT (pericentrin; plus strand). Cytogenetic location: 21q22.3.
Variant type: single nucleotide variant.
Coding change: c.9041C>G on transcript NM_006031.6 (MANE Select); coding-DNA position 9041, C replaced by G.
Protein change: p.Ser3014Cys; replaces serine 3014 with cysteine.
Molecular consequence: missense variant.
Genome position (GRCh38, 1-based): chr21:46,437,023, C>G. VCF-style: chr21-46437023-C-G. GRCh37 (hg19) VCF-style: chr21-47856936-C-G.
Other names: c.8450C>G, p.Ser2817Cys (NM_001315529.2); short protein forms S2817C, S3014C.
Identifiers: ClinVar variation 1703885 (VCV001703885.3), dbSNP rs756324121, ClinGen allele CA410575918.